The following is an entry in ClinVar:

NM_001128840.3(CACNA1D):c.5423A>G (p.Glu1808Gly)

Gene: CACNA1D (calcium voltage-gated channel subunit alpha1 D; plus strand). Cytogenetic location: 3p21.1.
Variant type: single nucleotide variant.
Coding change: c.5423A>G on transcript NM_001128840.3 (MANE Select); coding-DNA position 5423, A replaced by G.
Protein change: p.Glu1808Gly; replaces glutamic acid 1808 with glycine.
Molecular consequence: missense variant. On other transcripts: intron variant (1).
Genome position (GRCh38, 1-based): chr3:53,802,161, A>G. VCF-style: chr3-53802161-A-G. GRCh37 (hg19) VCF-style: chr3-53836188-A-G.
Other names: c.5483A>G, p.Glu1828Gly (NM_000720.4); c.5363+736A>G (NM_001128839.3); short protein forms E1828G, E1808G.
Identifiers: ClinVar variation 4771660 (VCV004771660.1).

ClinVar aggregate classification (germline): Uncertain significance (1 of 4 stars; one submission).

Submission:

Labcorp Genetics (formerly Invitae), Labcorp
Classification: Uncertain significance. Last evaluated: 2025-11-25. Review status: criteria provided, single submitter. Criteria: Invitae Variant Classification Sherloc (09022015). Collection method: clinical testing. Allele origin: germline.
Comment: This sequence change replaces glutamic acid, which is acidic and polar, with glycine, which is neutral and non-polar, at codon 1828 of the CACNA1D protein (p.Glu1828Gly). This variant is not present in population databases (gnomAD no frequency). This variant has not been reported in the literature in individuals affected with CACNA1D-related conditions. An algorithm developed to predict the effect of missense changes on protein structure and function (PolyPhen-2) suggests that this variant is likely to be tolerated. In summary, the available evidence is currently insufficient to determine the role of this variant in disease. Therefore, it has been classified as a Variant of Uncertain Significance.